The following is an entry in ClinVar:

ClinVar aggregate classification (germline): Uncertain significance (1 of 4 stars; one submission).

Conditions:
Epileptic encephalopathy. Identifiers: MedGen C0543888, HP:0200134.

Submission:

Labcorp Genetics (formerly Invitae), Labcorp
Classification: Uncertain significance for Epileptic encephalopathy. Last evaluated: 2024-08-31. Review status: criteria provided, single submitter. Criteria: Invitae Variant Classification Sherloc (09022015). Collection method: clinical testing. Allele origin: germline.
Comment: This sequence change falls in intron 14 of the FASN gene. It does not directly change the encoded amino acid sequence of the FASN protein. It affects a nucleotide within the consensus splice site. This variant is not present in population databases (gnomAD no frequency). This variant has not been reported in the literature in individuals affected with FASN-related conditions. ClinVar contains an entry for this variant (Variation ID: 1430904). Variants that disrupt the consensus splice site are a relatively common cause of aberrant splicing (PMID: 17576681, 9536098). Algorithms developed to predict the effect of sequence changes on RNA splicing suggest that this variant is not likely to affect RNA splicing. In summary, the available evidence is currently insufficient to determine the role of this variant in disease. Therefore, it has been classified as a Variant of Uncertain Significance.

Literature cited by the submitters: PubMed 17576681; PubMed 9536098.

NM_004104.5(FASN):c.2305-3C>T

Gene: FASN (fatty acid synthase; minus strand). Cytogenetic location: 17q25.3.
Variant type: single nucleotide variant.
Coding change: c.2305-3C>T on transcript NM_004104.5 (MANE Select); 3 bases into the intron before coding-DNA position 2305, C replaced by T.
Molecular consequence: intron variant.
Genome position (GRCh38, 1-based): chr17:82,088,879, G>A on the plus strand (C>T on the coding strand, the complement: FASN is on the minus strand). VCF-style: chr17-82088879-G-A. GRCh37 (hg19) VCF-style: chr17-80046755-G-A.
Identifiers: ClinVar variation 1430904 (VCV001430904.6), dbSNP rs2144797866, ClinGen allele CA2573155000.